The following is an entry in ClinVar:

NM_144997.7(FLCN):c.1062+2T>C

Gene: FLCN (folliculin; minus strand). Cytogenetic location: 17p11.2.
Variant type: single nucleotide variant.
Coding change: c.1062+2T>C on transcript NM_144997.7 (MANE Select); the canonical splice donor site of the intron after coding-DNA position 1062, T replaced by C.
Molecular consequence: splice donor variant.
Genome position (GRCh38, 1-based): chr17:17,219,017, A>G on the plus strand (T>C on the coding strand, the complement: FLCN is on the minus strand). VCF-style: chr17-17219017-A-G. GRCh37 (hg19) VCF-style: chr17-17122331-A-G.
Other names: c.1062+2T>C (NM_001353231.2, NM_001353230.2); c.1116+2T>C (NM_001353229.2).
Identifiers: ClinVar variation 449026 (VCV000449026.4), dbSNP rs886039370, ClinGen allele CA398532579.
Genomic context (GRCh38, chr17:17,219,017, plus strand): 5'-AGGGACAGCCCATGACTGGCTCTCCTCCTGAGCTCCTGATGCGCTGTGCCCCTGCCGCCT[A>G]CCTGCCTCATGTGCCGGAGGGACTTGAAGACTGGCAGCTTCCGGGGCTGCCAGCTCCCAC-3'

ClinVar aggregate classification (germline): Pathogenic (1 of 4 stars; one submission).

Submission:

GeneDx
Classification: Pathogenic. Last evaluated: 2022-10-10. Review status: criteria provided, single submitter. Criteria: GeneDx Variant Classification Process June 2021. Collection method: clinical testing. Allele origin: germline. Affected: yes.
Comment: Canonical splice site variant predicted to result in a null allele in a gene for which loss of function is a known mechanism of disease; Not observed at significant frequency in large population cohorts (gnomAD); Has not been previously published as pathogenic or benign to our knowledge